The following is an entry in ClinVar:

NM_007327.4(GRIN1):c.1762C>T (p.Arg588Trp)

Gene: GRIN1 (glutamate ionotropic receptor NMDA type subunit 1; plus strand). Cytogenetic location: 9q34.3.
Variant type: single nucleotide variant.
Coding change: c.1762C>T on transcript NM_007327.4 (MANE Select); coding-DNA position 1762, C replaced by T.
Protein change: p.Arg588Trp; replaces arginine 588 with tryptophan.
Molecular consequence: missense variant.
Genome position (GRCh38, 1-based): chr9:137,162,414, C>T. VCF-style: chr9-137162414-C-T. GRCh37 (hg19) VCF-style: chr9-140056866-C-T.
Other names: c.1762C>T, p.Arg588Trp (NM_000832.7, NM_021569.4); c.1825C>T, p.Arg609Trp (NM_001185090.2, NM_001185091.2); short protein forms R588W, R609W.
Identifiers: ClinVar variation 3369727 (VCV003369727.1).

ClinVar aggregate classification (germline): Uncertain significance (1 of 4 stars; one submission).

Submission:

GeneDx
Classification: Uncertain significance. Last evaluated: 2024-02-27. Review status: criteria provided, single submitter. Criteria: GeneDx Variant Classification Process June 2021. Collection method: clinical testing. Allele origin: germline. Affected: yes.
Comment: Not observed at significant frequency in large population cohorts (gnomAD); In silico analysis supports that this missense variant has a deleterious effect on protein structure/function; Has not been previously published as pathogenic or benign to our knowledge